The following is an entry in ClinVar:

NM_000014.6(A2M):c.822C>T (p.Asp274=)

Genes: KLRG1 (killer cell lectin like receptor G1; plus strand), A2M (alpha-2-macroglobulin; minus strand). Cytogenetic location: 12p13.31.
Variant type: single nucleotide variant.
Coding change: c.822C>T on transcript NM_000014.6 (MANE Select); coding-DNA position 822, C replaced by T.
Protein change: p.Asp274=; no amino-acid change (aspartic acid 274 retained).
Molecular consequence: synonymous variant.
Genome position (GRCh38, 1-based): chr12:9,107,581, G>A on the plus strand (C>T on the coding strand, the complement: A2M is on the minus strand). VCF-style: chr12-9107581-G-A. GRCh37 (hg19) VCF-style: chr12-9260177-G-A.
Other names: c.822C>T, p.Asp274= (NM_001347423.2); c.522C>T, p.Asp174= (NM_001347424.2); c.372C>T, p.Asp124= (NM_001347425.2).
Identifiers: ClinVar variation 714548 (VCV000714548.22), dbSNP rs202126909, ClinGen allele CA6438807.

ClinVar aggregate classification (germline): Likely benign. Review status: criteria provided, multiple submitters, no conflicts (2 of 4 stars). 4 submissions from 4 submitters: Likely benign (4). Last evaluated 2025-10-31.

Allele frequency attached by ClinVar (database versions not stated): ExAC 0.00072; TOPMed 0.00077; gnomAD 0.00079 and 0.00080; gnomAD exomes 0.00081 and 0.00121; ESP Exome Variant Server 0.00090.
gnomAD v4.1: 1,880 of 1,613,968 alleles (0.12%); highest among the groups gnomAD compares: Non-Finnish European, 0.15%; no homozygotes.

Submissions (4):

Women's Health and Genetics/Laboratory Corporation of America, LabCorp
Classification: Likely benign. Last evaluated: 2025-10-31. Review status: criteria provided, single submitter. Criteria: LabCorp Variant Classification Summary - May 2015. Collection method: clinical testing. Allele origin: germline.

Blueprint Genetics
Classification: Likely benign. Last evaluated: 2024-11-21. Review status: criteria provided, single submitter. Criteria: ACMG Guidelines, 2015. Collection method: clinical testing. Allele origin: germline.

CeGaT Center for Human Genetics Tuebingen
Classification: Likely benign. Last evaluated: 2024-07-01. Review status: criteria provided, single submitter. Criteria: CeGaT Center For Human Genetics Tuebingen Variant Classification Criteria Version 2. Collection method: clinical testing. Allele origin: germline. Affected: yes. Observed: 1 variant allele.
Comment: A2M: BP4, BP7

Labcorp Genetics (formerly Invitae), Labcorp
Classification: Likely benign. Last evaluated: 2018-01-31. Review status: criteria provided, single submitter. Criteria: Invitae Variant Classification Sherloc (09022015). Collection method: clinical testing. Allele origin: germline.